The following is an entry in ClinVar:

ClinVar aggregate classification (germline): Uncertain significance (1 of 4 stars; one submission).

Conditions:
CEP290-related disorder. Also called: CEP290-related condition; CEP290-related disorders. Identifiers: MedGen CN239314.

Submission:

PreventionGenetics, part of Exact Sciences
Classification: Uncertain significance for CEP290-related condition. Last evaluated: 2025-04-24. Review status: criteria provided, single submitter. Criteria: ACMG Guidelines, 2015. Collection method: clinical testing. Allele origin: germline.
Comment: The CEP290 c.2389A>C variant is predicted to result in the amino acid substitution p.Lys797Gln. To our knowledge, this variant has not been reported in the literature or in a large population database (gnomAD), indicating this variant is rare. At this time, the clinical significance of this variant is uncertain due to the absence of conclusive functional and genetic evidence.

NM_025114.4(CEP290):c.2389A>C (p.Lys797Gln)

Gene: CEP290 (centrosomal protein 290; minus strand). Cytogenetic location: 12q21.32.
Variant type: single nucleotide variant.
Coding change: c.2389A>C on transcript NM_025114.4 (MANE Select); coding-DNA position 2389, A replaced by C.
Protein change: p.Lys797Gln; replaces lysine 797 with glutamine.
Molecular consequence: missense variant.
Genome position (GRCh38, 1-based): chr12:88,109,160, T>G on the plus strand (A>C on the coding strand, the complement: CEP290 is on the minus strand). VCF-style: chr12-88109160-T-G. GRCh37 (hg19) VCF-style: chr12-88502937-T-G.
Other names: short protein forms K797Q.
Identifiers: ClinVar variation 5001305 (VCV005001305.1).